The following is an entry in ClinVar:

ClinVar aggregate classification (germline): Uncertain significance (1 of 4 stars; one submission).

Submission:

Labcorp Genetics (formerly Invitae), Labcorp
Classification: Uncertain significance. Last evaluated: 2024-11-05. Review status: criteria provided, single submitter. Criteria: Invitae Variant Classification Sherloc (09022015). Collection method: clinical testing. Allele origin: germline.
Comment: This sequence change replaces tyrosine, which is neutral and polar, with histidine, which is basic and polar, at codon 4140 of the LRP2 protein (p.Tyr4140His). This variant is not present in population databases (gnomAD no frequency). This variant has not been reported in the literature in individuals affected with LRP2-related conditions. ClinVar contains an entry for this variant (Variation ID: 2061149). Invitae Evidence Modeling of protein sequence and biophysical properties (such as structural, functional, and spatial information, amino acid conservation, physicochemical variation, residue mobility, and thermodynamic stability) indicates that this missense variant is not expected to disrupt LRP2 protein function with a negative predictive value of 95%. In summary, the available evidence is currently insufficient to determine the role of this variant in disease. Therefore, it has been classified as a Variant of Uncertain Significance.

NM_004525.3(LRP2):c.12418T>C (p.Tyr4140His)

Gene: LRP2 (LDL receptor related protein 2; minus strand). Cytogenetic location: 2q31.1.
Variant type: single nucleotide variant.
Coding change: c.12418T>C on transcript NM_004525.3 (MANE Select); coding-DNA position 12418, T replaced by C.
Protein change: p.Tyr4140His; replaces tyrosine 4140 with histidine.
Molecular consequence: missense variant.
Genome position (GRCh38, 1-based): chr2:169,152,842, A>G on the plus strand (T>C on the coding strand, the complement: LRP2 is on the minus strand). VCF-style: chr2-169152842-A-G. GRCh37 (hg19) VCF-style: chr2-170009352-A-G.
Other names: short protein forms Y4140H.
Identifiers: ClinVar variation 2061149 (VCV002061149.4), dbSNP rs2545676980, ClinGen allele CA349134922.